The following is an entry in ClinVar:

NC_000009.12:g.35657981C>T

Gene: RMRP (RNA component of mitochondrial RNA processing endoribonuclease; minus strand). Cytogenetic location: 9p13.3.
Variant type: single nucleotide variant.
Genome position: GRCh38 VCF-style: chr9-35657981-C-T. GRCh37 (hg19) VCF-style: chr9-35657978-C-T.
Identifiers: ClinVar variation 1484735 (VCV001484735.5), dbSNP rs1396054526, ClinGen allele CA464450995.

ClinVar aggregate classification (germline): Uncertain significance (1 of 4 stars; one submission).

Conditions:
Anauxetic dysplasia. Identifiers: Orphanet 93347, MedGen C1846796, MONDO:0011773.

Allele frequency attached by ClinVar (database versions not stated): gnomAD 0.00001 and 0.00002; gnomAD exomes 0.00003 and 0.00005.
gnomAD v4.1: 19 of 700,302 alleles (0.0027%); highest among the groups gnomAD compares: Admixed American, 0.012%; no homozygotes.

Submission:

Labcorp Genetics (formerly Invitae), Labcorp
Classification: Uncertain significance for Anauxetic dysplasia. Last evaluated: 2021-08-20. Review status: criteria provided, single submitter. Criteria: Invitae Variant Classification Sherloc (09022015). Collection method: clinical testing. Allele origin: germline.
Comment: This variant occurs in the RMRP gene, which encodes an RNA molecule that does not result in a protein product. The frequency data for this variant in the population databases is considered unreliable, as metrics indicate insufficient coverage at this position in the ExAC database. This variant has not been reported in the literature in individuals affected with RMRP-related conditions. Experimental studies and prediction algorithms are not available or were not evaluated, and the functional significance of this variant is currently unknown. In summary, the available evidence is currently insufficient to determine the role of this variant in disease. Therefore, it has been classified as a Variant of Uncertain Significance.